The following is an entry in ClinVar:

NM_015662.3(IFT172):c.4247C>T (p.Ala1416Val)

Gene: IFT172 (intraflagellar transport 172; minus strand). Cytogenetic location: 2p23.3.
Variant type: single nucleotide variant.
Coding change: c.4247C>T on transcript NM_015662.3 (MANE Select); coding-DNA position 4247, C replaced by T.
Protein change: p.Ala1416Val; replaces alanine 1416 with valine.
Molecular consequence: missense variant.
Genome position (GRCh38, 1-based): chr2:27,449,358, G>A on the plus strand (C>T on the coding strand, the complement: IFT172 is on the minus strand). VCF-style: chr2-27449358-G-A. GRCh37 (hg19) VCF-style: chr2-27672225-G-A.
Other names: c.4181C>T, p.Ala1394Val (NM_001410739.1); short protein forms A1394V, A1416V.
Identifiers: ClinVar variation 4992871 (VCV004992871.1).

ClinVar aggregate classification (germline): Uncertain significance (1 of 4 stars; one submission).

Conditions:
IFT172-related disorder. Also called: IFT172-related condition; IFT172-related disorders.

Submission:

PreventionGenetics, part of Exact Sciences
Classification: Uncertain significance for IFT172-related condition. Last evaluated: 2026-03-26. Review status: criteria provided, single submitter. Criteria: ACMG Guidelines, 2015. Collection method: clinical testing. Allele origin: germline.
Comment: The IFT172 c.4247C>T variant is predicted to result in the amino acid substitution p.Ala1416Val. To our knowledge, this variant has not been reported in the literature or in a large population database (gnomAD), indicating this variant is rare. At this time, the clinical significance of this variant is uncertain due to the absence of conclusive functional and genetic evidence.